The following is an entry in ClinVar:

ClinVar aggregate classification (germline): Likely benign (0 of 4 stars; one submission).

Conditions:
SERPINA6-related disorder. Also called: SERPINA6-related condition.

Allele frequency attached by ClinVar (database versions not stated): gnomAD exomes 0.00010; ExAC 0.00023; gnomAD 0.00070; 1000 Genomes Project 30x 0.00078; TOPMed 0.00085; 1000 Genomes Project 0.00100; ESP Exome Variant Server 0.00108.
gnomAD v4.1: 267 of 1,614,152 alleles (0.017%); highest among the groups gnomAD compares: African/African-American, 0.29%; 1 homozygote.

Submission:

PreventionGenetics, part of Exact Sciences
Classification: Likely benign for SERPINA6-related condition. Last evaluated: 2019-06-25. Review status: no assertion criteria provided. Collection method: clinical testing. Allele origin: germline.
Comment: This variant is classified as likely benign based on ACMG/AMP sequence variant interpretation guidelines (Richards et al. 2015 PMID: 25741868, with internal and published modifications).

NM_001756.4(SERPINA6):c.1146C>G (p.Pro382=)

Gene: SERPINA6 (serpin family A member 6; minus strand). Cytogenetic location: 14q32.13.
Variant type: single nucleotide variant.
Coding change: c.1146C>G on transcript NM_001756.4 (MANE Select); coding-DNA position 1146, C replaced by G.
Protein change: p.Pro382=; no amino-acid change (proline 382 retained).
Molecular consequence: synonymous variant.
Genome position (GRCh38, 1-based): chr14:94,304,490, G>C on the plus strand (C>G on the coding strand, the complement: SERPINA6 is on the minus strand). VCF-style: chr14-94304490-G-C. GRCh37 (hg19) VCF-style: chr14-94770827-G-C.
Identifiers: ClinVar variation 3042997 (VCV003042997.2), dbSNP rs140038394, ClinGen allele CA7326907.